The following is an entry in ClinVar:

NM_000044.6(AR):c.172_173insTGCAGCAGCAGCAGCAGCAGC (p.Leu57_Gln58insLeuGlnGlnGlnGlnGlnGln)

Genes: AR (androgen receptor; plus strand), LOC109504725 (androgen receptor repeat instability region; plus strand). Cytogenetic location: Xq12.
Variant type: Insertion.
Coding change: c.172_173insTGCAGCAGCAGCAGCAGCAGC on transcript NM_000044.6 (MANE Select); coding-DNA positions 172 to 173, TGCAGCAGCAGCAGCAGCAGC inserted.
Protein change: p.Leu57_Gln58insLeuGlnGlnGlnGlnGlnGln.
Molecular consequence: inframe insertion. On other transcripts: 5 prime UTR variant (1).
Genome position: GRCh38 VCF-style: chrX-67545316-T-TGCTGCAGCAGCAGCAGCAGCA. GRCh37 (hg19) VCF-style: chrX-66765158-T-TGCTGCAGCAGCAGCAGCAGCA.
Other names: c.-1612_-1611insTGCAGCAGCAGCAGCAGCAGC (NM_001011645.3); c.172_173insTGCAGCAGCAGCAGCAGCAGC, p.Leu57_Gln58insLeuGlnGlnGlnGlnGlnGln (NM_001348061.1, NM_001348063.1, NM_001348064.1).
Identifiers: ClinVar variation 1403739 (VCV001403739.6), dbSNP rs1206863775, ClinGen allele CA2549000067.

ClinVar aggregate classification (germline): Uncertain significance (1 of 4 stars; one submission).

Conditions:
Kennedy disease (SMAX1). Also called: SPINAL AND BULBAR MUSCULAR ATROPHY, X-LINKED 1; KENNEDY SPINAL AND BULBAR MUSCULAR ATROPHY; Spinal and Bulbar Muscular Atrophy. Identifiers: Orphanet 481, MedGen C1839259, MONDO:0010735, OMIM 313200.
Androgen resistance syndrome (AIS). Also called: Androgen insensitivity, complete; ANDROGEN RECEPTOR DEFICIENCY; DIHYDROTESTOSTERONE RECEPTOR DEFICIENCY; Androgen insensitivity syndrome due to coactivator deficiency; Androgen insensitivity; TESTICULAR FEMINIZATION SYNDROME. Identifiers: Orphanet 754, Orphanet 99429, MedGen C0039585, MONDO:0019154, OMIM 300068. Disease mechanism: loss of function.

Submission:

Labcorp Genetics (formerly Invitae), Labcorp
Classification: Uncertain significance for Kennedy disease; Androgen resistance syndrome. Last evaluated: 2023-02-28. Review status: criteria provided, single submitter. Criteria: Invitae Variant Classification Sherloc (09022015). Collection method: clinical testing. Allele origin: germline.
Comment: This variant, c.172_173insTGCAGCAGCAGCAGCAGCAGC, results in the insertion of 7 amino acid(s) of the AR protein (p.Leu57_Gln58insLeuGlnGlnGlnGlnGlnGln), but otherwise preserves the integrity of the reading frame. This variant is not present in population databases (gnomAD no frequency). This variant has not been reported in the literature in individuals affected with AR-related conditions. ClinVar contains an entry for this variant (Variation ID: 1403739). In summary, the available evidence is currently insufficient to determine the role of this variant in disease. Therefore, it has been classified as a Variant of Uncertain Significance.